The following is an entry in ClinVar:

ClinVar aggregate classification (germline): Pathogenic. Review status: criteria provided, multiple submitters, no conflicts (2 of 4 stars). 2 submissions from 2 submitters: Pathogenic (2). Last evaluated 2025-11-23.

Conditions:
Arrhythmogenic cardiomyopathy with wooly hair and keratoderma. Also called: Arrhythmogenic cardiomyopathy with woolly hair and keratoderma; Dilated cardiomyopathy with woolly hair and keratoderma; PALMOPLANTAR KERATODERMA WITH LEFT VENTRICULAR CARDIOMYOPATHY AND WOOLLY HAIR; Carvajal syndrome. Identifiers: Orphanet 65282, MedGen C1854063, MONDO:0011581, OMIM 605676.
Arrhythmogenic right ventricular dysplasia 8 (ARVD8). Also called: Arrhythmogenic Right Ventricular Dysplasia/Cardiomyopathy 8; ARRHYTHMOGENIC RIGHT VENTRICULAR CARDIOMYOPATHY 8; ARRHYTHMOGENIC RIGHT VENTRICULAR DYSPLASIA, FAMILIAL, 8. Identifiers: MedGen C1843896, MONDO:0011831, OMIM 607450.
Familial isolated arrhythmogenic right ventricular dysplasia. Identifiers: Orphanet 217656, MedGen C4274968, MONDO:0016342.

Submissions (2):

Labcorp Genetics (formerly Invitae), Labcorp
Classification: Pathogenic for Arrhythmogenic cardiomyopathy with wooly hair and keratoderma; Arrhythmogenic right ventricular dysplasia 8. Last evaluated: 2025-11-23. Review status: criteria provided, single submitter. Criteria: Invitae Variant Classification Sherloc (09022015). Collection method: clinical testing. Allele origin: germline.
Comment: This sequence change creates a premature translational stop signal (p.Asp2157Valfs*6) in the DSP gene. While this is not anticipated to result in nonsense mediated decay, it is expected to disrupt the last 715 amino acid(s) of the DSP protein. This variant is not present in population databases (gnomAD no frequency). This variant has not been reported in the literature in individuals affected with DSP-related conditions. This variant disrupts a region of the DSP protein in which other variant(s) (p.Glu2728Glyfs*11) have been determined to be pathogenic (internal data). This suggests that this is a clinically significant region of the protein, and that variants that disrupt it are likely to be disease-causing. For these reasons, this variant has been classified as Pathogenic.

Women's Health and Genetics/Laboratory Corporation of America, LabCorp
Classification: Pathogenic for Familial isolated arrhythmogenic right ventricular dysplasia. Last evaluated: 2025-10-21. Review status: criteria provided, single submitter. Criteria: LabCorp Variant Classification Summary - May 2015. Collection method: clinical testing. Allele origin: germline.
Comment: Variant summary: DSP c.6470_6474delATTTG (p.Asp2157ValfsX6) results in a premature termination codon, predicted to cause a truncation of the encoded protein. Although, nonsense mediated decay is not predicted, pathogenic variants have been observed downstream. The variant was absent in 251356 control chromosomes. To our knowledge, no occurrence of c.6470_6474delATTTG in individuals affected with DSP-related conditions and no experimental evidence demonstrating its impact on protein function have been reported. No submitters have cited clinical-significance assessments for this variant to ClinVar. Based on the evidence outlined above, the variant was classified as pathogenic.

NM_004415.4(DSP):c.6470_6474del (p.Asp2157fs)

Gene: DSP (desmoplakin; plus strand). Cytogenetic location: 6p24.3.
Variant type: Deletion.
Coding change: c.6470_6474del on transcript NM_004415.4 (MANE Select); coding-DNA positions 6470 to 6474, 5 bases deleted (ATTTG; older notation c.6470_6474delATTTG).
Protein change: p.Asp2157fs; shifts the reading frame from aspartic acid 2157.
Molecular consequence: frameshift variant.
Genome position (GRCh38, 1-based): chr6:7,583,732-7,583,736, ATTTG deleted; deleting any 5 consecutive bases within chr6:7,583,731-7,583,736 gives the same sequence; the c. name uses the placement nearest the transcript's 3' end. VCF-style (leftmost placement, unchanged base first): chr6-7583730-AGATTT-A. GRCh37 (hg19) VCF-style: chr6-7583963-AGATTT-A.
Other names: c.6470_6474delATTTG (NM_004415.4); c.4673_4677del, p.Asp1558fs (NM_001008844.3); c.5141_5145del, p.Asp1714fs (NM_001319034.2); short protein forms D1558fs, D1714fs, D2157fs.
Identifiers: ClinVar variation 4687148 (VCV004687148.2).